The following is an entry in ClinVar:

NM_001142800.2(EYS):c.380G>T (p.Gly127Val)

Gene: EYS (EGF-like photoreceptor maintenance factor; minus strand). Cytogenetic location: 6q12.
Variant type: single nucleotide variant.
Coding change: c.380G>T on transcript NM_001142800.2 (MANE Select); coding-DNA position 380, G replaced by T.
Protein change: p.Gly127Val; replaces glycine 127 with valine.
Molecular consequence: missense variant.
Genome position (GRCh38, 1-based): chr6:65,495,031, C>A on the plus strand (G>T on the coding strand, the complement: EYS is on the minus strand). VCF-style: chr6-65495031-C-A. GRCh37 (hg19) VCF-style: chr6-66204924-C-A.
Other names: c.380G>T (NM_001142800.1); c.380G>T, p.Gly127Val (NM_001142801.2, NM_001292009.2, NM_198283.2); short protein forms G127V.
Identifiers: ClinVar variation 991147 (VCV000991147.6), dbSNP rs201076128, ClinGen allele CA3878083.
Genomic context (GRCh38, chr6:65,495,031, plus strand): 5'-TAATGTGTCCCAACACTCAGCCACTTAGAATTAACAGTGTGCATTCCTTTTAGTCTGCAG[C>A]CAAAAAGTAACTGATCTTCCGTTGTGGTATTTTGCACACAGCCAACGAAAGATGTTTCAG-3'
Protein context (NP_001136272.1, residues 117-137): NTTTEDQLLF[Gly127Val]CRLKGMHTVN

ClinVar aggregate classification (germline): Uncertain significance. Review status: criteria provided, multiple submitters, no conflicts (2 of 4 stars). 5 submissions from 5 submitters: Uncertain significance (3). 2 of the submissions do not count toward it. Last evaluated 2025-12-04.

Conditions:
Inborn genetic diseases. Identifiers: MedGen C0950123, MeSH D030342.
Retinal dystrophy. Also called: Inherited retinal dystrophy. Identifiers: Orphanet 71862, MedGen C0854723, MeSH D058499, MONDO:0019118, HP:0000556.
Autosomal recessive retinitis pigmentosa. Identifiers: MedGen C0339526.

Allele frequency attached by ClinVar (database versions not stated): ExAC 0.00007; gnomAD 0.00007; TOPMed 0.00008; ESP Exome Variant Server 0.00015.
gnomAD v4.1: 250 of 1,614,018 alleles (0.015%); highest among the groups gnomAD compares: Non-Finnish European, 0.021%; no homozygotes.

Submissions (5):

Ambry Genetics
Classification: Uncertain significance for Inborn genetic diseases. Last evaluated: 2025-12-04. Review status: criteria provided, single submitter. Criteria: Ambry Variant Classification Scheme 2023. Collection method: clinical testing. Allele origin: germline.

Blueprint Genetics
Classification: Uncertain significance. Last evaluated: 2023-11-22. Review status: criteria provided, single submitter. Criteria: ACMG Guidelines, 2015. Collection method: clinical testing. Allele origin: germline.

Labcorp Genetics (formerly Invitae), Labcorp
Classification: Uncertain significance. Last evaluated: 2022-03-12. Review status: criteria provided, single submitter. Criteria: Invitae Variant Classification Sherloc (09022015). Collection method: clinical testing. Allele origin: germline.
Comment: This sequence change replaces glycine, which is neutral and non-polar, with valine, which is neutral and non-polar, at codon 127 of the EYS protein (p.Gly127Val). This variant is present in population databases (rs201076128, gnomAD 0.02%). This variant has not been reported in the literature in individuals affected with EYS-related conditions. ClinVar contains an entry for this variant (Variation ID: 991147). Algorithms developed to predict the effect of missense changes on protein structure and function are either unavailable or do not agree on the potential impact of this missense change (SIFT: "Tolerated"; PolyPhen-2: "Probably Damaging"; Align-GVGD: "Class C0"). In summary, the available evidence is currently insufficient to determine the role of this variant in disease. Therefore, it has been classified as a Variant of Uncertain Significance.

Institute of Human Genetics, Univ. Regensburg, Univ. Regensburg
Classification: Uncertain significance for Retinal dystrophy. Last evaluated: 2022-01-01. Review status: no assertion criteria provided. Criteria: ACMG Guidelines, 2015. Collection method: clinical testing. Allele origin: germline. Affected: yes. Not counted in ClinVar's aggregate classification.

Natera, Inc.
Classification: Uncertain significance for Autosomal recessive retinitis pigmentosa. Last evaluated: 2020-09-29. Review status: no assertion criteria provided. Collection method: clinical testing. Allele origin: germline. Not counted in ClinVar's aggregate classification.